The following is an entry in ClinVar:

ClinVar aggregate classification (germline): Likely pathogenic. Review status: criteria provided, multiple submitters, no conflicts (2 of 4 stars). 2 submissions from 2 submitters: Likely pathogenic (2). Last evaluated 2024-08-01.

Conditions:
Dyskeratosis congenita, autosomal recessive 5 (DKCB5). Identifiers: MedGen C3554656, MONDO:0014076, OMIM 615190.

Allele frequency attached by ClinVar (database versions not stated): TOPMed below 0.00001.

Submissions (2):

CeGaT Center for Human Genetics Tuebingen
Classification: Likely pathogenic. Last evaluated: 2024-08-01. Review status: criteria provided, single submitter. Criteria: CeGaT Center For Human Genetics Tuebingen Variant Classification Criteria Version 2. Collection method: clinical testing. Allele origin: germline. Affected: yes. Observed: 1 variant allele.
Comment: RTEL1: PVS1:Strong, PM2

Baylor Genetics
Classification: Likely pathogenic for Dyskeratosis congenita, autosomal recessive 5. Last evaluated: 2023-03-11. Review status: criteria provided, single submitter. Criteria: ACMG Guidelines, 2015. Collection method: clinical testing. Allele origin: unknown.

NM_001283009.2(RTEL1):c.2142-1G>C

Genes: RTEL1 (regulator of telomere elongation helicase 1; plus strand), RTEL1-TNFRSF6B (RTEL1-TNFRSF6B readthrough (NMD candidate); plus strand). Cytogenetic location: 20q13.33.
Variant type: single nucleotide variant.
Coding change: c.2142-1G>C on transcript NM_001283009.2 (MANE Select); the canonical splice acceptor site of the intron before coding-DNA position 2142, G replaced by C.
Molecular consequence: splice acceptor variant.
Genome position (GRCh38, 1-based): chr20:63,690,086, G>C. VCF-style: chr20-63690086-G-C. GRCh37 (hg19) VCF-style: chr20-62321439-G-C.
Other names: c.1473-1G>C (NM_001283010.1); c.2214-1G>C (NM_032957.5); c.2142-1G>C (NM_016434.4).
Identifiers: ClinVar variation 2678479 (VCV002678479.17), dbSNP rs2090696366, ClinGen allele CA409679541.